The following is an entry in ClinVar:

NM_000540.3(RYR1):c.10937+1G>C

Gene: RYR1 (ryanodine receptor 1; plus strand). Cytogenetic location: 19q13.2.
Variant type: single nucleotide variant.
Coding change: c.10937+1G>C on transcript NM_000540.3 (MANE Select); the canonical splice donor site of the intron after coding-DNA position 10937, G replaced by C.
Molecular consequence: splice donor variant.
Genome position (GRCh38, 1-based): chr19:38,528,419, G>C. VCF-style: chr19-38528419-G-C. GRCh37 (hg19) VCF-style: chr19-39019059-G-C.
Other names: c.10922+1G>C (NM_001042723.2).
Identifiers: ClinVar variation 1323546 (VCV001323546.9), dbSNP rs775682151, ClinGen allele CA055251.

ClinVar aggregate classification (germline): Conflicting classifications of pathogenicity. Review status: criteria provided, conflicting classifications (1 of 4 stars). 3 submissions from 3 submitters: Pathogenic (1); Likely pathogenic (1); Uncertain significance (1). Last evaluated 2024-02-28.

Conditions:
RYR1-related disorder. Also called: RYR1-related disorders; RYR1-related condition. Identifiers: MedGen CN239331.
Malignant hyperthermia, susceptibility to, 1 (MHS1). Also called: Anesthesia related hyperthermia; Malignant hyperpyrexia; Fulminating hyperpyrexia; Pharmacogenic myopathy; Malignant hyperthermia suceptibility 1; RYR1-Related Malignant Hyperthermia Susceptibility. Identifiers: Orphanet 423, MedGen C2930980, MONDO:0007783, OMIM 145600.

Allele frequency attached by ClinVar (database versions not stated): gnomAD exomes 0.00001 and below 0.00001; ExAC 0.00003; TOPMed below 0.00001; gnomAD 0.00001.
gnomAD v4.1: 4 of 1,613,832 alleles (0.00025%); highest among the groups gnomAD compares: East Asian, 0.0022%; no homozygotes.

Submissions (3):

All of Us Research Program, National Institutes of Health
Classification: Uncertain significance for Malignant hyperthermia, susceptibility to, 1. Last evaluated: 2024-02-28. Review status: criteria provided, single submitter. Criteria: ACMG Guidelines, 2015. Collection method: clinical testing. Allele origin: germline. Inheritance: Autosomal dominant inheritance. Observed: 2 variant alleles, 2 heterozygotes.
Comment: This study involves interpretation of variants in research participants for the purpose of population health screening. Participant phenotype was not available at the time of variant classification. Additional details can be found in publication PMID: 35346344, PMCID: PMC8962531

Labcorp Genetics (formerly Invitae), Labcorp
Classification: Likely pathogenic for RYR1-related disorder. Last evaluated: 2024-01-09. Review status: criteria provided, single submitter. Criteria: Invitae Variant Classification Sherloc (09022015). Collection method: clinical testing. Allele origin: germline.
Comment: This sequence change affects a donor splice site in intron 74 of the RYR1 gene. It is expected to disrupt RNA splicing. Variants that disrupt the donor or acceptor splice site typically lead to a loss of protein function (PMID: 16199547), and loss-of-function variants in RYR1 are known to be pathogenic (PMID: 23919265, 25960145, 28818389, 30611313). This variant is present in population databases (rs775682151, gnomAD 0.003%). This variant has not been reported in the literature in individuals affected with RYR1-related conditions. ClinVar contains an entry for this variant (Variation ID: 1323546). Algorithms developed to predict the effect of sequence changes on RNA splicing suggest that this variant may disrupt the consensus splice site. In summary, the currently available evidence indicates that the variant is pathogenic, but additional data are needed to prove that conclusively. Therefore, this variant has been classified as Likely Pathogenic.

Revvity Omics, Revvity
Classification: Pathogenic. Last evaluated: 2019-10-29. Review status: criteria provided, single submitter. Criteria: ACMG Guidelines, 2015. Collection method: clinical testing. Allele origin: germline.

Literature cited by the submitters: PubMed 16199547 (cited by Labcorp Genetics (formerly Invitae), Labcorp); PubMed 23919265 (cited by Labcorp Genetics (formerly Invitae), Labcorp); PubMed 25960145 (cited by Labcorp Genetics (formerly Invitae), Labcorp); PubMed 28818389 (cited by Labcorp Genetics (formerly Invitae), Labcorp); PubMed 30611313 (cited by Labcorp Genetics (formerly Invitae), Labcorp).